The following is an entry in ClinVar:

ClinVar aggregate classification (germline): Uncertain significance (1 of 4 stars; one submission).

Conditions:
Cardiovascular phenotype. Identifiers: MedGen CN230736.

Submission:

Ambry Genetics
Classification: Uncertain significance for Cardiovascular phenotype. Last evaluated: 2025-08-23. Review status: criteria provided, single submitter. Criteria: Ambry Variant Classification Scheme 2023. Collection method: clinical testing. Allele origin: germline.
Comment: The p.G221R variant (also known as c.661G>A), located in coding exon 6 of the SPRED1 gene, results from a G to A substitution at nucleotide position 661. The glycine at codon 221 is replaced by arginine, an amino acid with dissimilar properties. This amino acid position is conserved. In addition, the in silico prediction for this alteration is inconclusive. Based on the available evidence, the clinical significance of this variant remains unclear.

NM_152594.3(SPRED1):c.661G>A (p.Gly221Arg)

Gene: SPRED1 (sprouty related EVH1 domain containing 1; plus strand). Cytogenetic location: 15q14.
Variant type: single nucleotide variant.
Coding change: c.661G>A on transcript NM_152594.3 (MANE Select); coding-DNA position 661, G replaced by A.
Protein change: p.Gly221Arg; replaces glycine 221 with arginine.
Molecular consequence: missense variant.
Genome position (GRCh38, 1-based): chr15:38,349,500, G>A. VCF-style: chr15-38349500-G-A. GRCh37 (hg19) VCF-style: chr15-38641701-G-A.
Other names: short protein forms G221R.
Identifiers: ClinVar variation 4174054 (VCV004174054.1).
Genomic context (GRCh38, chr15:38,349,500, plus strand): 5'-GGCTTGGACATTCAGAGCAGAAGTATGGAATACGTACAGCGGCAAATATCCAAGGAATGT[G>A]GAAGCCTAAAGTCCCAAAATAGGGTAAGTAATGTTAGTTTATCTTGTGATATGGAATTTA-3'
Protein context (NP_689807.1, residues 211-231): YVQRQISKEC[Gly221Arg]SLKSQNRVPL